The following is an entry in ClinVar:

ClinVar aggregate classification (germline): Uncertain significance (1 of 4 stars; one submission).

Submission:

GeneDx
Classification: Uncertain significance. Last evaluated: 2024-09-17. Review status: criteria provided, single submitter. Criteria: GeneDx Variant Classification Process June 2021. Collection method: clinical testing. Allele origin: germline. Affected: yes.
Comment: Not observed at significant frequency in large population cohorts (gnomAD); In silico analysis supports that this missense variant has a deleterious effect on protein structure/function; Has not been previously published as pathogenic or benign to our knowledge

NM_001039591.3(USP9X):c.2144T>C (p.Ile715Thr)

Gene: USP9X (ubiquitin specific peptidase 9 X-linked; plus strand). Cytogenetic location: Xp11.4.
Variant type: single nucleotide variant.
Coding change: c.2144T>C on transcript NM_001039591.3 (MANE Select); coding-DNA position 2144, T replaced by C.
Protein change: p.Ile715Thr; replaces isoleucine 715 with threonine.
Molecular consequence: missense variant.
Genome position (GRCh38, 1-based): chrX:41,166,030, T>C. VCF-style: chrX-41166030-T-C. GRCh37 (hg19) VCF-style: chrX-41025283-T-C.
Other names: c.2144T>C, p.Ile715Thr (NM_001039590.3); c.2159T>C, p.Ile720Thr (NM_001410748.1, NM_001410749.1); short protein forms I715T, I720T.
Identifiers: ClinVar variation 3769766 (VCV003769766.1).